The following is an entry in ClinVar:

ClinVar aggregate classification (germline): Uncertain significance. Review status: criteria provided, multiple submitters, no conflicts (2 of 4 stars). 3 submissions from 3 submitters: Uncertain significance (3). Last evaluated 2022-08-23.

Conditions:
Inborn genetic diseases. Identifiers: MedGen C0950123, MeSH D030342.
Connective tissue disorder. Also called: Connective tissue disease. Identifiers: MedGen C0009782, MONDO:0003900.

Allele frequency attached by ClinVar (database versions not stated): ExAC 0.00007.
gnomAD v4.1: 9 of 1,577,294 alleles (0.00057%); highest among the groups gnomAD compares: Middle Eastern, 0.022%; no homozygotes.

Submissions (3):

Labcorp Genetics (formerly Invitae), Labcorp
Classification: Uncertain significance. Last evaluated: 2022-08-23. Review status: criteria provided, single submitter. Criteria: Invitae Variant Classification Sherloc (09022015). Collection method: clinical testing. Allele origin: germline.
Comment: In summary, the available evidence is currently insufficient to determine the role of this variant in disease. Therefore, it has been classified as a Variant of Uncertain Significance. Algorithms developed to predict the effect of missense changes on protein structure and function are either unavailable or do not agree on the potential impact of this missense change (SIFT: "Deleterious"; PolyPhen-2: "Benign"; Align-GVGD: "Class C0"). ClinVar contains an entry for this variant (Variation ID: 1498198). This variant has not been reported in the literature in individuals affected with NKX3-2-related conditions. This variant is present in population databases (rs772588647, gnomAD 0.005%). This sequence change replaces glycine, which is neutral and non-polar, with serine, which is neutral and polar, at codon 182 of the NKX3-2 protein (p.Gly182Ser).

Ambry Genetics
Classification: Uncertain significance for Inborn genetic diseases. Last evaluated: 2022-05-27. Review status: criteria provided, single submitter. Criteria: Ambry Variant Classification Scheme 2023. Collection method: clinical testing. Allele origin: germline.

Genome Diagnostics Laboratory, The Hospital for Sick Children
Classification: Uncertain significance for Connective tissue disorder. Last evaluated: 2021-04-28. Review status: criteria provided, single submitter. Criteria: ACMG Guidelines, 2015. Collection method: clinical testing. Allele origin: germline.

NM_001189.4(NKX3-2):c.544G>A (p.Gly182Ser)

Gene: NKX3-2 (NK3 homeobox 2; minus strand). Cytogenetic location: 4p15.33.
Variant type: single nucleotide variant.
Coding change: c.544G>A on transcript NM_001189.4 (MANE Select); coding-DNA position 544, G replaced by A.
Protein change: p.Gly182Ser; replaces glycine 182 with serine.
Molecular consequence: missense variant.
Genome position (GRCh38, 1-based): chr4:13,542,451, C>T on the plus strand (G>A on the coding strand, the complement: NKX3-2 is on the minus strand). VCF-style: chr4-13542451-C-T. GRCh37 (hg19) VCF-style: chr4-13544075-C-T.
Other names: short protein forms G182S.
Identifiers: ClinVar variation 1498198 (VCV001498198.12), dbSNP rs772588647, ClinGen allele CA2860354.